The following is an entry in ClinVar:

ClinVar aggregate classification (germline): Uncertain significance (1 of 4 stars; one submission).

Submission:

Labcorp Genetics (formerly Invitae), Labcorp
Classification: Uncertain significance. Last evaluated: 2024-05-20. Review status: criteria provided, single submitter. Criteria: Invitae Variant Classification Sherloc (09022015). Collection method: clinical testing. Allele origin: germline.
Comment: This sequence change replaces serine, which is neutral and polar, with leucine, which is neutral and non-polar, at codon 696 of the POLA1 protein (p.Ser696Leu). This variant is not present in population databases (gnomAD no frequency). This variant has not been reported in the literature in individuals affected with POLA1-related conditions. Advanced modeling of protein sequence and biophysical properties (such as structural, functional, and spatial information, amino acid conservation, physicochemical variation, residue mobility, and thermodynamic stability) performed at Invitae indicates that this missense variant is expected to disrupt POLA1 protein function with a positive predictive value of 80%. In summary, the available evidence is currently insufficient to determine the role of this variant in disease. Therefore, it has been classified as a Variant of Uncertain Significance.

NM_001330360.2(POLA1):c.2105C>T (p.Ser702Leu)

Gene: POLA1 (DNA polymerase alpha 1, catalytic subunit; plus strand). Cytogenetic location: Xp22.11.
Variant type: single nucleotide variant.
Coding change: c.2105C>T on transcript NM_001330360.2 (MANE Select); coding-DNA position 2105, C replaced by T.
Protein change: p.Ser702Leu; replaces serine 702 with leucine.
Molecular consequence: missense variant.
Genome position (GRCh38, 1-based): chrX:24,739,439, C>T. VCF-style: chrX-24739439-C-T. GRCh37 (hg19) VCF-style: chrX-24757556-C-T.
Other names: c.2030C>T, p.Ser677Leu (NM_001378303.1); c.2087C>T, p.Ser696Leu (NM_016937.4); short protein forms S677L, S696L, S702L.
Identifiers: ClinVar variation 3614544 (VCV003614544.2).